The following is an entry in ClinVar:

NM_173651.4(FSIP2):c.2091A>G (p.Lys697=)

Genes: FSIP2 (fibrous sheath interacting protein 2; plus strand), FSIP2-AS1 (FSIP2 antisense RNA 1; minus strand). Cytogenetic location: 2q32.1.
Variant type: single nucleotide variant.
Coding change: c.2091A>G on transcript NM_173651.4 (MANE Select); coding-DNA position 2091, A replaced by G.
Protein change: p.Lys697=; no amino-acid change (lysine 697 retained).
Molecular consequence: synonymous variant.
Genome position (GRCh38, 1-based): chr2:185,789,227, A>G. VCF-style: chr2-185789227-A-G. GRCh37 (hg19) VCF-style: chr2-186653954-A-G.
Other names: NC_000002.11:g.186653954A>G.
Identifiers: ClinVar variation 3034979 (VCV003034979.5), dbSNP rs191655821, ClinGen allele CA2016562.

ClinVar aggregate classification (germline): Likely benign. Review status: criteria provided, multiple submitters, no conflicts (2 of 4 stars). 3 submissions from 3 submitters: Likely benign (2). 1 of the submissions does not count toward it. Last evaluated 2026-09-01.

Conditions:
FSIP2-related disorder. Also called: FSIP2-related condition.

Allele frequency attached by ClinVar (database versions not stated): TOPMed 0.00087; gnomAD exomes 0.00105; gnomAD 0.00143; 1000 Genomes Project 0.00379; 1000 Genomes Project 30x 0.00406; ExAC 0.00487.
gnomAD v4.1: 1,722 of 1,534,508 alleles (0.11%); highest among the groups gnomAD compares: East Asian, 0.7%; 11 homozygotes.

Submissions (4):

CeGaT Center for Human Genetics Tuebingen
Classification: Likely benign. Last evaluated: 2026-09-01. Review status: criteria provided, single submitter. Criteria: CeGaT Center For Human Genetics Tuebingen Variant Classification Criteria Version 2. Collection method: clinical testing. Allele origin: germline. Affected: yes. Observed: 1 variant allele.
Comment: FSIP2: BP4, BP7

Blueprint Genetics
Classification: Likely benign. Last evaluated: 2024-11-26. Review status: criteria provided, single submitter. Criteria: ACMG Guidelines, 2015. Collection method: clinical testing. Allele origin: germline.

PreventionGenetics, part of Exact Sciences
Classification: Benign for FSIP2-related condition. Last evaluated: 2019-08-12. Review status: no assertion criteria provided. Collection method: clinical testing. Allele origin: germline. Not counted in ClinVar's aggregate classification.
Comment: This variant is classified as benign based on ACMG/AMP sequence variant interpretation guidelines (Richards et al. 2015 PMID: 25741868, with internal and published modifications).

Dr. Peter K. Rogan Lab, Western University
No classification provided (evidence only). Condition: Lung cancer. Review status: no classification provided. Collection method: in vitro. Allele origin: not applicable. Functional consequence: retained intron. Not counted in ClinVar's aggregate classification.